The following is an entry in ClinVar:

NM_032511.4(FAXC):c.892C>G (p.Gln298Glu)

Gene: FAXC (failed axon connections homolog, metaxin like GST domain containing; minus strand). Cytogenetic location: 6q16.2.
Variant type: single nucleotide variant.
Coding change: c.892C>G on transcript NM_032511.4 (MANE Select); coding-DNA position 892, C replaced by G.
Protein change: p.Gln298Glu; replaces glutamine 298 with glutamic acid.
Molecular consequence: missense variant. On other transcripts: non-coding transcript variant (2).
Genome position (GRCh38, 1-based): chr6:99,291,752, G>C on the plus strand (C>G on the coding strand, the complement: FAXC is on the minus strand). VCF-style: chr6-99291752-G-C. GRCh37 (hg19) VCF-style: chr6-99739628-G-C.
Other names: c.529C>G, p.Gln177Glu (NM_001346530.2, NM_001346533.1); c.733C>G, p.Gln245Glu (NM_001346531.2, NM_001346532.1); short protein forms Q298E, Q177E, Q245E.
Identifiers: ClinVar variation 161783 (VCV000161783.2), dbSNP rs193921041, ClinGen allele CA174776.
Genomic context (GRCh38, chr6:99,291,752, plus strand): 5'-TGTAGGGCTTGCCTTTGATCAGCCGTTCGGGTCTTGTCCCTGGTAAGGTCCACATTGCCT[G>C]TGCCAAGTGTCCAAAGACAGTGGCGTCAAGAGTGGAAAGCTTGGGCCCCATGATGTACTT-3'
Protein context (NP_115900.1, residues 288-308): LDATVFGHLA[Gln298Glu]AMWTLPGTRP

ClinVar aggregate classification (germline): Uncertain significance (0 of 4 stars; one submission).

Conditions:
Prostate cancer. Also called: Malignant tumor of prostate. Identifiers: Orphanet 1331, MedGen C0376358, MONDO:0008315, HP:0012125.

Submission:

Science for Life laboratory,  Karolinska Institutet
Classification: Uncertain significance for Malignant tumor of prostate. Review status: no assertion criteria provided. Collection method: not provided. Allele origin: somatic.
Comment: TumorID:SWE-8
ClinVar note: Converted during submission from Unknown to Uncertain significance.